The following is an entry in ClinVar:

ClinVar aggregate classification (germline): Pathogenic (1 of 4 stars; one submission).

Conditions:
Inborn genetic diseases. Identifiers: MedGen C0950123, MeSH D030342.

Submission:

Ambry Genetics
Classification: Pathogenic for Inborn genetic diseases. Last evaluated: 2025-12-18. Review status: criteria provided, single submitter. Criteria: Ambry Variant Classification Scheme 2023. Collection method: clinical testing. Allele origin: germline.
Comment: The c.12534dupT (p.G4179Wfs*3) alteration, located in exon 50 (coding exon 50) of the KMT2C gene, consists of a duplication of T at position 12534, causing a translational frameshift with a predicted alternate stop codon after 3 amino acids. This alteration is expected to result in loss of function by premature protein truncation or nonsense-mediated mRNA decay. This variant was not reported in population-based cohorts in the Genome Aggregation Database (gnomAD). Based on the available evidence, this alteration is classified as pathogenic.

NM_170606.3(KMT2C):c.12534dup (p.Gly4179fs)

Gene: KMT2C (lysine methyltransferase 2C; minus strand). Cytogenetic location: 7q36.1.
Variant type: Duplication.
Coding change: c.12534dup on transcript NM_170606.3 (MANE Select); coding-DNA position 12534, one base duplicated (T; older notation c.12534dupT).
Protein change: p.Gly4179fs; shifts the reading frame from glycine 4179.
Molecular consequence: frameshift variant.
Genome position (GRCh38, 1-based): chr7:152,151,574, A duplicated on the plus strand (T on the coding strand, the reverse complement: KMT2C is on the minus strand). VCF-style (leftmost placement, unchanged base first): chr7-152151573-C-CA. GRCh37 (hg19) VCF-style: chr7-151848658-C-CA.
Other names: short protein forms G4179fs.
Identifiers: ClinVar variation 4833015 (VCV004833015.1).
Genomic context (GRCh38, chr7:152,151,573, plus strand): 5'-AACACCACTGTGGTCTGAGTGCTGCGCTTTCTGCAATACCATGACTAGAATCCTTATATC[C>CA]AGAAAGACCTAAAGGCAATCAACTTTTGTTAGTAATTAAAACTGACTGATGACACAAGGT-3'